The following is an entry in ClinVar:

ClinVar aggregate classification (germline): Conflicting classifications of pathogenicity. Review status: criteria provided, conflicting classifications (1 of 4 stars). 8 submissions from 7 submitters: Likely pathogenic (4); Uncertain significance (1). 3 of the submissions do not count toward it. Last evaluated 2025-12-22.

Conditions:
Retinitis pigmentosa 98. Identifiers: MedGen C5975495, MONDO:0975840, OMIM 620996.
Joubert syndrome 2 (JBTS2). Also called: CEREBELLOOCULORENAL SYNDROME 2. Identifiers: Orphanet 2318, MedGen C1842577, MONDO:0011963, OMIM 608091.
Meckel syndrome, type 2 (MKS2). Also called: MECKEL-GRUBER SYNDROME, TYPE 2; MKS2-Related Meckel Syndrome. Identifiers: Orphanet 564, MedGen C1864148, MONDO:0011296, OMIM 603194.
Joubert syndrome. Also called: JOUBERT-BOLTSHAUSER SYNDROME; Familial aplasia of the vermis. Identifiers: Orphanet 475, MedGen C5979921, MONDO:0018772.

Allele frequency attached by ClinVar (database versions not stated): gnomAD exomes 0.00001; TOPMed 0.00001; gnomAD 0.00002.

Submissions (8):

Natera, Inc.
Classification: Likely pathogenic for Joubert syndrome type 2. Last evaluated: 2025-12-22. Review status: criteria provided, single submitter. Criteria: Natera Variant Classification Schema (03/2026). Collection method: clinical testing. Allele origin: germline.
Comment: The c.35-2A>G variant in TMEM216 is a canonical splice acceptor site variant predicted to affect pre-mRNA splicing, which may result in an abnormal transcript and altered protein product. This variant is expected to result in nonsense mediated decay, truncation, or a dysfunctional protein product. This variant is rare in the general population with a frequency below the threshold expected for the associated phenotype(s). Given the available evidence, this variant is classified as Likely Pathogenic.

Fulgent Genetics
Classification: Likely pathogenic for Meckel syndrome, type 2; Joubert syndrome 2. Last evaluated: 2024-05-24. Review status: criteria provided, single submitter. Criteria: ACMG Guidelines, 2015. Collection method: clinical testing. Allele origin: germline.

Labcorp Genetics (formerly Invitae), Labcorp
Classification: Likely pathogenic for Joubert syndrome. Last evaluated: 2023-11-28. Review status: criteria provided, single submitter. Criteria: Invitae Variant Classification Sherloc (09022015). Collection method: clinical testing. Allele origin: germline.
Comment: This sequence change affects an acceptor splice site in intron 1 of the TMEM216 gene. It is expected to disrupt RNA splicing. Variants that disrupt the donor or acceptor splice site typically lead to a loss of protein function (PMID: 16199547), and loss-of-function variants in TMEM216 are known to be pathogenic (PMID: 20512146). This variant is present in population databases (no rsID available, gnomAD 0.007%). This variant has not been reported in the literature in individuals affected with TMEM216-related conditions. ClinVar contains an entry for this variant (Variation ID: 371778). Algorithms developed to predict the effect of sequence changes on RNA splicing suggest that this variant may disrupt the consensus splice site. In summary, the currently available evidence indicates that the variant is pathogenic, but additional data are needed to prove that conclusively. Therefore, this variant has been classified as Likely Pathogenic.

Baylor Genetics
Classification: Likely pathogenic for Joubert syndrome 2. Last evaluated: 2023-11-26. Review status: criteria provided, single submitter. Criteria: ACMG Guidelines, 2015. Collection method: clinical testing. Allele origin: unknown.

Blueprint Genetics
Classification: Uncertain significance. Last evaluated: 2022-09-09. Review status: criteria provided, single submitter. Criteria: ACMG Guidelines, 2015. Collection method: clinical testing. Allele origin: germline.

OMIM
Classification: Pathogenic for RETINITIS PIGMENTOSA 98. Last evaluated: 2024-10-29. Review status: no assertion criteria provided. Collection method: literature only. Allele origin: germline. Not counted in ClinVar's aggregate classification.

Counsyl
Classification: Likely pathogenic for Meckel syndrome, type 2. Last evaluated: 2016-10-05. Review status: no assertion criteria provided. Collection method: clinical testing. Allele origin: unknown. Not counted in ClinVar's aggregate classification.

Counsyl
Classification: Likely pathogenic for Joubert syndrome 2. Last evaluated: 2016-10-05. Review status: no assertion criteria provided. Collection method: clinical testing. Allele origin: unknown. Not counted in ClinVar's aggregate classification.

Literature cited by the submitters: PubMed 16199547 (cited by Labcorp Genetics (formerly Invitae), Labcorp); PubMed 20512146 (cited by Labcorp Genetics (formerly Invitae), Labcorp); PubMed 39191256 (cited by OMIM).

NM_001173990.3(TMEM216):c.35-2A>G

Gene: TMEM216 (transmembrane protein 216; plus strand). Cytogenetic location: 11q12.2.
Variant type: single nucleotide variant.
Coding change: c.35-2A>G on transcript NM_001173990.3 (MANE Select); the canonical splice acceptor site of the intron before coding-DNA position 35, A replaced by G.
Molecular consequence: splice acceptor variant.
Genome position (GRCh38, 1-based): chr11:61,393,229, A>G. VCF-style: chr11-61393229-A-G. GRCh37 (hg19) VCF-style: chr11-61160701-A-G.
Other names: c.-149-2A>G (NM_016499.6, NM_001330285.2); c.35-2A>G (NM_001173991.3).
Identifiers: ClinVar variation 371778 (VCV000371778.12), dbSNP rs1057517528, ClinGen allele CA16041470.